The following is an entry in ClinVar:

ClinVar aggregate classification (germline): Likely benign (1 of 4 stars; one submission).

Conditions:
PLXNA2-related disorder. Also called: PLXNA2-related condition.

gnomAD v4.1: 2 of 1,613,888 alleles (0.00012%); highest among the groups gnomAD compares: Admixed American, 0.0033%; no homozygotes.

Submission:

PreventionGenetics, part of Exact Sciences
Classification: Likely benign for PLXNA2-related condition. Last evaluated: 2025-12-09. Review status: criteria provided, single submitter. Criteria: ACMG Guidelines, 2015. Collection method: clinical testing. Allele origin: germline.
Comment: This variant is classified as likely benign based on ACMG/AMP sequence variant interpretation guidelines (Richards et al. 2015 PMID: 25741868, with internal and published modifications).

NM_025179.4(PLXNA2):c.4572C>A (p.Thr1524=)

Gene: PLXNA2 (plexin A2; minus strand). Cytogenetic location: 1q32.2.
Variant type: single nucleotide variant.
Coding change: c.4572C>A on transcript NM_025179.4 (MANE Select); coding-DNA position 4572, C replaced by A.
Protein change: p.Thr1524=; no amino-acid change (threonine 1524 retained).
Molecular consequence: synonymous variant.
Genome position (GRCh38, 1-based): chr1:208,038,913, G>T on the plus strand (C>A on the coding strand, the complement: PLXNA2 is on the minus strand). VCF-style: chr1-208038913-G-T. GRCh37 (hg19) VCF-style: chr1-208212258-G-T.
Identifiers: ClinVar variation 4996712 (VCV004996712.1).